The following is an entry in ClinVar:

ClinVar aggregate classification (germline): Pathogenic (1 of 4 stars; one submission).

Conditions:
Osteogenesis imperfecta type I (OI1). Also called: OI, TYPE I; OSTEOGENESIS IMPERFECTA TARDA; OSTEOGENESIS IMPERFECTA WITH BLUE SCLERAE; Osteogenesis imperfecta type 1; Classic Non-deforming Osteogenesis Imperfecta with Blue Sclerae; Lobstein's Disease. Identifiers: Orphanet 216796, Orphanet 666, MedGen C0023931, MONDO:0008146, OMIM 166200. Disease mechanism: loss of function.

Submission:

Labcorp Genetics (formerly Invitae), Labcorp
Classification: Pathogenic for Osteogenesis imperfecta type I. Last evaluated: 2025-03-20. Review status: criteria provided, single submitter. Criteria: Invitae Variant Classification Sherloc (09022015). Collection method: clinical testing. Allele origin: germline.
Comment: This sequence change creates a premature translational stop signal (p.Gly1088*) in the COL1A1 gene. It is expected to result in an absent or disrupted protein product. Loss-of-function variants in COL1A1 are known to be pathogenic (PMID: 7942841, 9295084, 9443882). This variant is not present in population databases (gnomAD no frequency). This premature translational stop signal has been observed in individual(s) with osteogenesis imperfecta (PMID: 28810924). For these reasons, this variant has been classified as Pathogenic.

Literature cited by the submitters: PubMed 7942841; PubMed 9295084; PubMed 9443882; PubMed 28810924.

NM_000088.4(COL1A1):c.3262G>T (p.Gly1088Ter)

Gene: COL1A1 (collagen type I alpha 1 chain; minus strand). Cytogenetic location: 17q21.33.
Variant type: single nucleotide variant.
Coding change: c.3262G>T on transcript NM_000088.4 (MANE Select); coding-DNA position 3262, G replaced by T.
Protein change: p.Gly1088Ter; replaces glycine 1088 with a stop codon.
Molecular consequence: nonsense.
Genome position (GRCh38, 1-based): chr17:50,187,983, C>A on the plus strand (G>T on the coding strand, the complement: COL1A1 is on the minus strand). VCF-style: chr17-50187983-C-A. GRCh37 (hg19) VCF-style: chr17-48265344-C-A.
Other names: short protein forms G1088*.
Identifiers: ClinVar variation 4710401 (VCV004710401.1).